The following is an entry in ClinVar:

NM_000143.4(FH):c.830C>G (p.Thr277Ser)

Gene: FH (fumarate hydratase; minus strand). Cytogenetic location: 1q43.
Variant type: single nucleotide variant.
Coding change: c.830C>G on transcript NM_000143.4 (MANE Select); coding-DNA position 830, C replaced by G.
Protein change: p.Thr277Ser; replaces threonine 277 with serine.
Molecular consequence: missense variant.
Genome position (GRCh38, 1-based): chr1:241,506,077, G>C on the plus strand (C>G on the coding strand, the complement: FH is on the minus strand). VCF-style: chr1-241506077-G-C. GRCh37 (hg19) VCF-style: chr1-241669377-G-C.
Other names: short protein forms T277S.
Identifiers: ClinVar variation 460379 (VCV000460379.16), dbSNP rs1553341160, ClinGen allele CA345438935.
Genomic context (GRCh38, chr1:241,506,077, plus strand): 5'-ACTTTTGCAGCAACCTTTTCTGCAAAGCCAATTCTAGTATTTAAACCTGTACCAACAGCA[G>C]TGCCTCCAGCTGCGAGCTCATAGATTCTTGGCATGGCAGCTTTTATTCTTGTCATTGCAT-3'
Protein context (NP_000134.2, residues 267-287): PRIYELAAGG[Thr277Ser]AVGTGLNTRI

ClinVar aggregate classification (germline): Uncertain significance. Review status: criteria provided, multiple submitters, no conflicts (2 of 4 stars). 3 submissions from 3 submitters: Uncertain significance (3). Last evaluated 2026-06-10.

Conditions:
Hereditary cancer-predisposing syndrome. Also called: Tumor predisposition; Hereditary neoplastic syndrome; Neoplastic Syndromes, Hereditary; Hereditary Cancer Syndrome. Identifiers: Orphanet 140162, MedGen C0027672, MeSH D009386, MONDO:0015356.

Allele frequency attached by ClinVar (database versions not stated): gnomAD 0.00001.
gnomAD v4.1: 1 of 1,613,870 alleles (0.000062%); highest among the groups gnomAD compares: Non-Finnish European, 0.000085%; no homozygotes.

Submissions (4):

Ambry Genetics
Classification: Uncertain significance for Hereditary cancer-predisposing syndrome. Last evaluated: 2026-06-10. Review status: criteria provided, single submitter. Criteria: Ambry Variant Classification Scheme 2023. Collection method: clinical testing. Allele origin: germline.
Comment: The p.T277S variant (also known as c.830C>G), located in coding exon 6 of the FH gene, results from a C to G substitution at nucleotide position 830. The threonine at codon 277 is replaced by serine, an amino acid with similar properties. This amino acid position is highly conserved in available vertebrate species. In addition, this alteration is predicted to be deleterious by in silico analysis. Based on the available evidence, the clinical significance of this variant remains unclear.

Labcorp Genetics (formerly Invitae), Labcorp
Classification: Uncertain significance. Last evaluated: 2025-11-18. Review status: criteria provided, single submitter. Criteria: Invitae Variant Classification Sherloc (09022015). Collection method: clinical testing. Allele origin: germline.
Comment: This sequence change replaces threonine, which is neutral and polar, with serine, which is neutral and polar, at codon 277 of the FH protein (p.Thr277Ser). This variant is not present in population databases (gnomAD no frequency). This variant has not been reported in the literature in individuals affected with FH-related conditions. ClinVar contains an entry for this variant (Variation ID: 460379). Invitae Evidence Modeling of protein sequence and biophysical properties (such as structural, functional, and spatial information, amino acid conservation, physicochemical variation, residue mobility, and thermodynamic stability) indicates that this missense variant is expected to disrupt FH protein function with a positive predictive value of 95%. In summary, the available evidence is currently insufficient to determine the role of this variant in disease. Therefore, it has been classified as a Variant of Uncertain Significance.

GeneDx
Classification: Uncertain significance. Last evaluated: 2019-11-05. Review status: criteria provided, single submitter. Criteria: GeneDx Variant Classification Process June 2021. Collection method: clinical testing. Allele origin: germline. Affected: yes.
Comment: Not observed in large population cohorts (Lek et al., 2016); In silico analysis, which includes protein predictors and evolutionary conservation, supports a deleterious effect; Has not been previously published as pathogenic or benign to our knowledge

Blake Wilde Laboratory, Roswell Park Comprehensive Cancer Center
No classification provided (evidence only). Condition: Hereditary leiomyomatosis and renal cell cancer. Review status: no classification provided. Collection method: in vitro. Allele origin: not applicable. Functional consequence: decreased enzyme activity. Not counted in ClinVar's aggregate classification.